The following is an entry in ClinVar:

ClinVar aggregate classification (germline): Uncertain significance (1 of 4 stars; one submission).

Conditions:
Cardiovascular phenotype. Identifiers: MedGen CN230736.

Allele frequency attached by ClinVar (database versions not stated): TOPMed below 0.00001.
gnomAD v4.1: 1 of 1,614,208 alleles (0.000062%); highest among the groups gnomAD compares: East Asian, 0.0022%; no homozygotes.

Submission:

Ambry Genetics
Classification: Uncertain significance for Cardiovascular phenotype. Last evaluated: 2020-06-15. Review status: criteria provided, single submitter. Criteria: Ambry Variant Classification Scheme 2023. Collection method: clinical testing. Allele origin: germline.
Comment: The p.Y3907S variant (also known as c.11720A>C), located in coding exon 45 of the ANK2 gene, results from an A to C substitution at nucleotide position 11720. The tyrosine at codon 3907 is replaced by serine, an amino acid with dissimilar properties. This amino acid position is well conserved in available vertebrate species. In addition, this alteration is predicted to be deleterious by in silico analysis. Since supporting evidence is limited at this time, the clinical significance of this alteration remains unclear.

NM_001148.6(ANK2):c.11720A>C (p.Tyr3907Ser)

Gene: ANK2 (ankyrin 2; plus strand). Cytogenetic location: 4q26.
Variant type: single nucleotide variant.
Coding change: c.11720A>C on transcript NM_001148.6 (MANE Select); coding-DNA position 11720, A replaced by C.
Protein change: p.Tyr3907Ser; replaces tyrosine 3907 with serine.
Molecular consequence: missense variant. On other transcripts: intron variant (9).
Genome position (GRCh38, 1-based): chr4:113,373,310, A>C. VCF-style: chr4-113373310-A-C. GRCh37 (hg19) VCF-style: chr4-114294466-A-C.
Other names: c.5528A>C, p.Tyr1843Ser (NM_001354239.2); c.5510A>C, p.Tyr1837Ser (NM_001354240.2, NM_001354241.2); c.5507A>C, p.Tyr1836Ser (NM_001354242.2); c.5495A>C, p.Tyr1832Ser (NM_001354243.2, NM_001386143.1); c.5492A>C, p.Tyr1831Ser (NM_001354244.2); c.5303A>C, p.Tyr1768Ser (NM_001354245.2, NM_001354262.2); c.5462A>C, p.Tyr1821Ser (NM_001354246.2); c.5279A>C, p.Tyr1760Ser (NM_001354249.2, NM_001354266.2, NM_001354267.2); and 50 more; short protein forms Y1005S, Y1694S, Y1735S, Y1749S, Y1758S, Y1760S, Y1764S, Y1767S.
Identifiers: ClinVar variation 1739811 (VCV001739811.2), dbSNP rs1554597581, ClinGen allele CA357943563.